The following is an entry in ClinVar:

NM_001035.3(RYR2):c.6254T>C (p.Phe2085Ser)

Gene: RYR2 (ryanodine receptor 2; plus strand). Cytogenetic location: 1q43.
Variant type: single nucleotide variant.
Coding change: c.6254T>C on transcript NM_001035.3 (MANE Select); coding-DNA position 6254, T replaced by C.
Protein change: p.Phe2085Ser; replaces phenylalanine 2085 with serine.
Molecular consequence: missense variant.
Genome position (GRCh38, 1-based): chr1:237,627,894, T>C. VCF-style: chr1-237627894-T-C. GRCh37 (hg19) VCF-style: chr1-237791194-T-C.
Other names: short protein forms F2085S.
Identifiers: ClinVar variation 806399 (VCV000806399.23), dbSNP rs762814340, ClinGen allele CA087082.
Genomic context (GRCh38, chr1:237,627,894, plus strand): 5'-CCATGGTCCGATGGGCTCAGGAGTCTGTCATTGAAGACCCCGAGCTGGTGAGGGCCATGT[T>C]TGTGTTGCTCCATCGGCAGTATGACGGCATTGGGGGTCTTGTTCGGGCCCTGCCAAAGAC-3'
Protein context (NP_001026.2, residues 2075-2095): IEDPELVRAM[Phe2085Ser]VLLHRQYDGI

ClinVar aggregate classification (germline): Uncertain significance. Review status: criteria provided, multiple submitters, no conflicts (2 of 4 stars). 2 submissions from 2 submitters: Uncertain significance (2). Last evaluated 2026-07-07.

Conditions:
Catecholaminergic polymorphic ventricular tachycardia 1. Also called: VENTRICULAR TACHYCARDIA, CATECHOLAMINERGIC POLYMORPHIC, 1, WITH OR WITHOUT ATRIAL DYSFUNCTION AND/OR DILATED CARDIOMYOPATHY; RYR2-Related Catecholaminergic Polymorphic Ventricular Tachycardia; VENTRICULAR TACHYCARDIA, STRESS-INDUCED POLYMORPHIC 1. Identifiers: Orphanet 3286, MedGen C1631597, MONDO:0011484, OMIM 604772.
Cardiovascular phenotype. Identifiers: MedGen CN230736.

Allele frequency attached by ClinVar (database versions not stated): gnomAD exomes below 0.00001 and 0.00001; ExAC 0.00001; TOPMed 0.00001; gnomAD 0.00002.
gnomAD v4.1: 8 of 1,613,798 alleles (0.0005%); highest among the groups gnomAD compares: East Asian, 0.0022%; no homozygotes.

Submissions (2):

Ambry Genetics
Classification: Uncertain significance for Cardiovascular phenotype. Last evaluated: 2026-07-07. Review status: criteria provided, single submitter. Criteria: Ambry Variant Classification Scheme 2023. Collection method: clinical testing. Allele origin: germline.
Comment: The p.F2085S variant (also known as c.6254T>C), located in coding exon 41 of the RYR2 gene, results from a T to C substitution at nucleotide position 6254. The phenylalanine at codon 2085 is replaced by serine, an amino acid with highly dissimilar properties. This amino acid position is conserved. In addition, this alteration is predicted to be deleterious by in silico analysis. Based on the available evidence, the clinical significance of this variant remains unclear.

Labcorp Genetics (formerly Invitae), Labcorp
Classification: Uncertain significance for Catecholaminergic polymorphic ventricular tachycardia 1. Last evaluated: 2025-07-29. Review status: criteria provided, single submitter. Criteria: Invitae Variant Classification Sherloc (09022015). Collection method: clinical testing. Allele origin: germline.
Comment: This sequence change replaces phenylalanine, which is neutral and non-polar, with serine, which is neutral and polar, at codon 2085 of the RYR2 protein (p.Phe2085Ser). This variant is present in population databases (rs762814340, gnomAD 0.01%). This variant has not been reported in the literature in individuals affected with RYR2-related conditions. ClinVar contains an entry for this variant (Variation ID: 806399). Invitae Evidence Modeling of protein sequence and biophysical properties (such as structural, functional, and spatial information, amino acid conservation, physicochemical variation, residue mobility, and thermodynamic stability) indicates that this missense variant is expected to disrupt RYR2 protein function with a positive predictive value of 95%. In summary, the available evidence is currently insufficient to determine the role of this variant in disease. Therefore, it has been classified as a Variant of Uncertain Significance.